The following is an entry in ClinVar:

NM_001388419.1(KALRN):c.5661G>A (p.Lys1887=)

Gene: KALRN (kalirin RhoGEF kinase; plus strand). Cytogenetic location: 3q21.2.
Variant type: single nucleotide variant.
Coding change: c.5661G>A on transcript NM_001388419.1 (MANE Select); coding-DNA position 5661, G replaced by A.
Protein change: p.Lys1887=; no amino-acid change (lysine 1887 retained).
Molecular consequence: synonymous variant. On other transcripts: intron variant (4).
Genome position (GRCh38, 1-based): chr3:124,637,300, G>A. VCF-style: chr3-124637300-G-A. GRCh37 (hg19) VCF-style: chr3-124356147-G-A.
Other names: c.5658G>A, p.Lys1886= (NM_001024660.5); c.5655G>A, p.Lys1885= (NM_001322988.2); c.567G>A, p.Lys189= (NM_001322993.2, NM_001322995.2, NM_001322996.2 and 1 more transcripts); c.564G>A, p.Lys188= (NM_001322994.2, NM_001322997.2); c.3735G>A, p.Lys1245= (NM_001388412.1); c.474+3347G>A (NM_001322998.2, NM_001323000.2); c.471+3347G>A (NM_001322999.2, NM_001323001.2).
Identifiers: ClinVar variation 3041023 (VCV003041023.2), dbSNP rs116780710, ClinGen allele CA2580526.
Genomic context (GRCh38, chr3:124,637,300, plus strand): 5'-CACTGAAGTACCTACTGCTGCAGACCTTGTCAATGCAATAGAAAAGTTGGTCAAAAACAA[G>A]CTGGTAAGTGGGGGTCCTGGAGGCAGTTCTGTGTGTGTCTCACCTTCACACTGCTCCAGG-3'
Protein context (NP_001375348.1, residues 1877-1897): VNAIEKLVKN[Lys1887=]LSLEGSSYRG

ClinVar aggregate classification (germline): Likely benign (0 of 4 stars; one submission).

Conditions:
KALRN-related disorder. Also called: KALRN-related condition.

Allele frequency attached by ClinVar (database versions not stated): gnomAD 0.00010; ExAC 0.00011; ESP Exome Variant Server 0.00015; 1000 Genomes Project 30x 0.00016; TOPMed 0.00016; 1000 Genomes Project 0.00020.
gnomAD v4.1: 270 of 1,613,100 alleles (0.017%); highest among the groups gnomAD compares: Admixed American, 0.04%; no homozygotes.

Submission:

PreventionGenetics, part of Exact Sciences
Classification: Likely benign for KALRN-related condition. Last evaluated: 2019-10-28. Review status: no assertion criteria provided. Collection method: clinical testing. Allele origin: germline.
Comment: This variant is classified as likely benign based on ACMG/AMP sequence variant interpretation guidelines (Richards et al. 2015 PMID: 25741868, with internal and published modifications).